The following is an entry in ClinVar:

NM_022574.4:c.661delCinsAGCAG

Gene: GIGYF1 (GRB10 interacting GYF protein 1; minus strand).
Variant type: Indel.
Identifiers: ClinVar variation 4837745 (VCV004837745.1).

ClinVar aggregate classification (germline): Pathogenic (1 of 4 stars; one submission).

Submission:

Ambry Genetics
Classification: Pathogenic. Last evaluated: 2026-01-12. Review status: criteria provided, single submitter. Criteria: Ambry Variant Classification Scheme 2023. Collection method: clinical testing. Allele origin: germline.
Comment: The c.661delCinsAGCAG (p.R221Sfs*13) alteration, located in exon 7 (coding exon 7) of the GIGYF1 gene, consists of an deletion of 1 and insertion of 5 nucleotides causing a translational frameshift at position 661 with a predicted alternate stop codon after 13 amino acids. This alteration is expected to result in loss of function by premature protein truncation or nonsense-mediated mRNA decay. This variant was not reported in population-based cohorts in the Genome Aggregation Database (gnomAD). Based on the available evidence, this alteration is classified as pathogenic.